The following is an entry in ClinVar:

ClinVar aggregate classification (germline): Likely pathogenic (1 of 4 stars; one submission).

Submission:

Labcorp Genetics (formerly Invitae), Labcorp
Classification: Likely pathogenic. Last evaluated: 2022-04-01. Review status: criteria provided, single submitter. Criteria: Invitae Variant Classification Sherloc (09022015). Collection method: clinical testing. Allele origin: germline.
Comment: This sequence change affects a donor splice site in intron 12 of the HPS1 gene. It is expected to disrupt RNA splicing. Variants that disrupt the donor or acceptor splice site typically lead to a loss of protein function (PMID: 16199547), and loss-of-function variants in HPS1 are known to be pathogenic (PMID: 12442288, 16185271). This variant is not present in population databases (gnomAD no frequency). This variant has not been reported in the literature in individuals affected with HPS1-related conditions. Algorithms developed to predict the effect of sequence changes on RNA splicing suggest that this variant may disrupt the consensus splice site. In summary, the currently available evidence indicates that the variant is pathogenic, but additional data are needed to prove that conclusively. Therefore, this variant has been classified as Likely Pathogenic.

Literature cited by the submitters: PubMed 16199547; PubMed 12442288; PubMed 16185271.

NM_000195.5(HPS1):c.1155+1G>C

Gene: HPS1 (HPS1 biogenesis of lysosomal organelles complex 3 subunit 1; minus strand). Cytogenetic location: 10q24.2.
Variant type: single nucleotide variant.
Coding change: c.1155+1G>C on transcript NM_000195.5 (MANE Select); the canonical splice donor site of the intron after coding-DNA position 1155, G replaced by C.
Molecular consequence: splice donor variant.
Genome position (GRCh38, 1-based): chr10:98,425,817, C>G on the plus strand (G>C on the coding strand, the complement: HPS1 is on the minus strand). VCF-style: chr10-98425817-C-G. GRCh37 (hg19) VCF-style: chr10-100185574-C-G.
Other names: c.1155+1G>C (NM_001322477.2, NM_001322476.2); c.183+1G>C (NM_001311345.2, NM_001322487.2, NM_001322489.2); c.786+1G>C (NM_001322483.2, NM_001322484.2); c.894+1G>C (NM_001322480.2, NM_001322481.2); c.1056+1G>C (NM_001322478.2, NM_001322479.2); c.687+1G>C (NM_001322485.2); c.795+1G>C (NM_001322482.2).
Identifiers: ClinVar variation 2120784 (VCV002120784.4), dbSNP rs2538837238, ClinGen allele CA378047952.
Genomic context (GRCh38, chr10:98,425,817, plus strand): 5'-GCCCCTGGGGAAGACGTGCCAACCCTAAGCATCATCAGGGCAGGGTGAGGGGCTCTCCTA[C>G]CCTGGTCAGGAGCACCAGGTTGATGCCCTGCCACAGGGGCAGGCAGTACATGGTGTGGGG-3'